The following is an entry in ClinVar:

ClinVar aggregate classification (germline): Uncertain significance (1 of 4 stars; one submission).

Conditions:
Neuroblastoma, susceptibility to, 3. Also called: ALK-Related Neuroblastic Tumor Susceptibility. Identifiers: Orphanet 635, MedGen C2751681, MONDO:0013083, OMIM 613014.

Submission:

Labcorp Genetics (formerly Invitae), Labcorp
Classification: Uncertain significance for Neuroblastoma, susceptibility to, 3. Last evaluated: 2024-08-08. Review status: criteria provided, single submitter. Criteria: Invitae Variant Classification Sherloc (09022015). Collection method: clinical testing. Allele origin: germline.
Comment: This sequence change replaces isoleucine, which is neutral and non-polar, with threonine, which is neutral and polar, at codon 801 of the ALK protein (p.Ile801Thr). This variant is not present in population databases (gnomAD no frequency). This variant has not been reported in the literature in individuals affected with ALK-related conditions. An algorithm developed to predict the effect of missense changes on protein structure and function (PolyPhen-2) suggests that this variant is likely to be disruptive. In summary, the available evidence is currently insufficient to determine the role of this variant in disease. Therefore, it has been classified as a Variant of Uncertain Significance.

NM_004304.5(ALK):c.2402T>C (p.Ile801Thr)

Gene: ALK (ALK receptor tyrosine kinase; minus strand). Cytogenetic location: 2p23.2.
Variant type: single nucleotide variant.
Coding change: c.2402T>C on transcript NM_004304.5 (MANE Select); coding-DNA position 2402, T replaced by C.
Protein change: p.Ile801Thr; replaces isoleucine 801 with threonine.
Molecular consequence: missense variant.
Genome position (GRCh38, 1-based): chr2:29,233,650, A>G on the plus strand (T>C on the coding strand, the complement: ALK is on the minus strand). VCF-style: chr2-29233650-A-G. GRCh37 (hg19) VCF-style: chr2-29456516-A-G.
Other names: short protein forms I801T.
Identifiers: ClinVar variation 3683768 (VCV003683768.2).
Genomic context (GRCh38, chr2:29,233,650, plus strand): 5'-CCTCCTCCTCCGCCTCCTGCCCACTCATGCACGCTTCTGTTCACACGGATTTCTTCTTCT[A>G]TCACATTGTTCTCTCCAATGCAGACTTTCTGGATTAACTGGTTTGTCTGTAGAAACAAAA-3'
Protein context (NP_004295.2, residues 791-811): QKVCIGENNV[Ile801Thr]EEEIRVNRSV